The following is an entry in ClinVar:

NM_000693.4(ALDH1A3):c.99+132C>G

Gene: ALDH1A3 (aldehyde dehydrogenase 1 family member A3; plus strand). Cytogenetic location: 15q26.3.
Variant type: single nucleotide variant.
Coding change: c.99+132C>G on transcript NM_000693.4 (MANE Select); 132 bases into the intron after coding-DNA position 99, C replaced by G.
Molecular consequence: intron variant.
Genome position (GRCh38, 1-based): chr15:100,880,138, C>G. VCF-style: chr15-100880138-C-G. GRCh37 (hg19) VCF-style: chr15-101420343-C-G.
Other names: c.99+132C>G (NM_001293815.2).
Identifiers: ClinVar variation 2645748 (VCV002645748.24), dbSNP rs892531508, ClinGen allele CA275598804.

ClinVar aggregate classification (germline): Likely benign (1 of 4 stars; one submission).

Allele frequency attached by ClinVar (database versions not stated): gnomAD 0.00001; gnomAD exomes 0.00002.

Submission:

CeGaT Center for Human Genetics Tuebingen
Classification: Likely benign. Last evaluated: 2022-07-01. Review status: criteria provided, single submitter. Criteria: CeGaT Center For Human Genetics Tuebingen Variant Classification Criteria Version 2. Collection method: clinical testing. Allele origin: germline. Affected: yes. Observed: 1 variant allele.
Comment: ALDH1A3: BP4, BP7